The following is an entry in ClinVar:

ClinVar aggregate classification (germline): Conflicting classifications of pathogenicity. Review status: criteria provided, conflicting classifications (1 of 4 stars). 10 submissions from 10 submitters: Uncertain significance (7); Likely benign (3). Last evaluated 2026-08-06.

Conditions:
Hereditary cancer. Identifiers: MedGen C1333600.
BRCA2-related disorder. Also called: BRCA2-related condition; BRCA2-related disorders. Identifiers: MedGen CN239275.
Hereditary cancer-predisposing syndrome. Also called: Tumor predisposition; Neoplastic Syndromes, Hereditary; Hereditary Cancer Syndrome; Hereditary neoplastic syndrome. Identifiers: Orphanet 140162, MedGen C0027672, MeSH D009386, MONDO:0015356.
Hereditary breast ovarian cancer syndrome. Also called: Breast and ovarian cancer; Hereditary breast and ovarian cancer; Hereditary breast and ovarian cancer syndrome (HBOC); BRCA1- and BRCA2-Associated Hereditary Breast and Ovarian Cancer; Hereditary breast and/or ovarian cancer syndrome; Hereditary breast and ovarian cancer syndrome. Identifiers: Orphanet 145, MedGen C0677776, MeSH D061325, MONDO:0003582. Disease mechanism: loss of function.
Breast-ovarian cancer, familial, susceptibility to, 2 (BROVCA2). Also called: BRCA2 Hereditary Breast and Ovarian Cancer. Identifiers: Orphanet 145, MedGen C2675520, MONDO:0012933, OMIM 612555. Disease mechanism: loss of function.

Allele frequency attached by ClinVar (database versions not stated): gnomAD exomes below 0.00001; TOPMed 0.00001.
gnomAD v4.1: 3 of 1,609,938 alleles (0.00019%); highest among the groups gnomAD compares: Admixed American, 0.0034%; no homozygotes.

Submissions (10):

OLLIN Analises Genomicas, OLLIN
Classification: Uncertain significance for Breast-ovarian cancer, familial, susceptibility to, 2. Last evaluated: 2026-08-06. Review status: criteria provided, single submitter. Criteria: ACMG Guidelines 2015 PMID 25741868. Collection method: clinical testing. Allele origin: germline. Inheritance: Autosomal recessive inheritance.
Comment: This missense variant, located in exon 11 (of 27), has been reported in ClinVar (accession VCV000483126.30) and in gnomAD with an allele frequency of 0.00019%. However, to our knowledge, it has not been reported in the scientific literature. In silico analysis is inconclusive regarding the impact of this variant. According to the currently available evidence, this variant has been classified as uncertain significance (PM2_P).

Dasa
Classification: Uncertain significance for Breast-ovarian cancer, familial, susceptibility to, 2. Last evaluated: 2024-12-30. Review status: criteria provided, single submitter. Criteria: DASA Assertion Criteria. Collection method: clinical testing. Allele origin: germline.
Comment: NM_000059.4(BRCA2):c.6554C>T (p.Ala2185Val) is a missense variant that results in the substitution of alanine with valine. This variant is rare in population databases. The currently available literature and clinical evidence are not sufficient to establish a definitive association between this variant and the reported condition. Therefore, this variant is classified as a variant of uncertain significance.

Labcorp Genetics (formerly Invitae), Labcorp
Classification: Likely benign for Hereditary breast ovarian cancer syndrome. Last evaluated: 2024-12-09. Review status: criteria provided, single submitter. Criteria: Invitae Variant Classification Sherloc (09022015). Collection method: clinical testing. Allele origin: germline.

Mendelics
Classification: Likely benign for Hereditary cancer. Last evaluated: 2024-09-11. Review status: criteria provided, single submitter. Criteria: ACMG Guidelines, 2015. Collection method: clinical testing. Allele origin: unknown.
Comment: This variant is considered likely benign or benign based on one or more of the following: it is predicted to be benign by multiple in silico algorithms, and/or has population frequency not consistent with disease, and/or has normal protein function, and/or has lack of segregation with disease, and/or has been detected in co-occurrence with known pathogenic variant, and/or has lack of disease association in case-control studies, and/or is located in a region inconsistent with a known cause of pathogenicity.

All of Us Research Program, National Institutes of Health
Classification: Uncertain significance for Breast-ovarian cancer, familial, susceptibility to, 2. Last evaluated: 2023-12-01. Review status: criteria provided, single submitter. Criteria: ACMG Guidelines, 2015. Collection method: clinical testing. Allele origin: germline. Inheritance: Autosomal dominant inheritance. Observed: 1 variant allele, 1 heterozygote.
Comment: This missense variant replaces alanine with valine at codon 2185 of the BRCA2 protein. Computational prediction suggests that this variant may not impact protein structure and function (internally defined REVEL score threshold <= 0.5, PMID: 27666373). To our knowledge, functional studies have not been reported for this variant. This variant has been reported in individuals affected with breast cancer (PMID: 27741520, 32986223). This variant has not been identified in the general population by the Genome Aggregation Database (gnomAD). The available evidence is insufficient to determine the role of this variant in disease conclusively. Therefore, this variant is classified as a Variant of Uncertain Significance.

This study involves interpretation of variants in research participants for the purpose of population health screening. Participant phenotype was not available at the time of variant classification. Additional details can be found in publication PMID: 35346344, PMCID: PMC8962531

PreventionGenetics, part of Exact Sciences
Classification: Uncertain significance for BRCA2-related condition. Last evaluated: 2023-06-01. Review status: criteria provided, single submitter. Criteria: ACMG Guidelines, 2015. Collection method: clinical testing. Allele origin: germline.
Comment: The BRCA2 c.6554C>T variant is predicted to result in the amino acid substitution p.Ala2185Val. This variant has been reported and classified as a variant of uncertain significance in patients with breast cancer (Fernandes et al. 2016. PubMed ID: 27741520; Bandeira et al. 2020. PubMed ID: 32986223). This variant has not been reported in a large population database, indicating this variant is rare. At this time, the clinical significance of this variant is uncertain due to the absence of conclusive functional and genetic evidence.

Ambry Genetics
Classification: Uncertain significance for Hereditary cancer-predisposing syndrome. Last evaluated: 2023-04-25. Review status: criteria provided, single submitter. Criteria: Ambry Variant Classification Scheme 2023. Collection method: clinical testing. Allele origin: germline.
Comment: The p.A2185V variant (also known as c.6554C>T), located in coding exon 10 of the BRCA2 gene, results from a C to T substitution at nucleotide position 6554. The alanine at codon 2185 is replaced by valine, an amino acid with similar properties. In addition, this alteration was detected in a cohort of 1663 Brazilian breast cancer patients who underwent hereditary multigene panel testing (Guindalini RSC et al. Sci Rep, 2022 Mar;12:4190). This amino acid position is not well conserved in available vertebrate species. In addition, this alteration is predicted to be tolerated by in silico analysis. Since supporting evidence is limited at this time, the clinical significance of this alteration remains unclear.

University of Washington Department of Laboratory Medicine, University of Washington
Classification: Likely benign for Hereditary cancer-predisposing syndrome. Last evaluated: 2023-03-23. Review status: criteria provided, single submitter. Criteria: Dines et al. (Genet Med. 2020). Collection method: curation. Allele origin: germline.
Comment: Missense variant in a coldspot region where missense variants are very unlikely to be pathogenic (PMID:31911673).

BRCA2 exon 11 coldspot. Reclassification based on statistical prior probability.

Laboratorio de Genetica e Diagnostico Molecular, Hospital Israelita Albert Einstein
Classification: Uncertain significance for Breast-ovarian cancer, familial, susceptibility to, 2. Last evaluated: 2023-01-20. Review status: criteria provided, single submitter. Criteria: ACMG Guidelines, 2015. Collection method: clinical testing. Allele origin: germline. Affected: yes. Observed: 1 variant allele.
Comment: ACMG classification criteria: PM2 moderated

Color Diagnostics, LLC DBA Color Health
Classification: Uncertain significance for Hereditary cancer-predisposing syndrome. Last evaluated: 2022-06-21. Review status: criteria provided, single submitter. Criteria: ACMG Guidelines, 2015. Collection method: clinical testing. Allele origin: germline.
Comment: This missense variant replaces alanine with valine at codon 2185 of the BRCA2 protein. Computational prediction suggests that this variant may not impact protein structure and function (internally defined REVEL score threshold <= 0.5, PMID: 27666373). To our knowledge, functional studies have not been reported for this variant. This variant has been reported in individuals affected with breast cancer (PMID: 27741520, 32986223). This variant has not been identified in the general population by the Genome Aggregation Database (gnomAD). The available evidence is insufficient to determine the role of this variant in disease conclusively. Therefore, this variant is classified as a Variant of Uncertain Significance.

Literature cited by the submitters: PubMed 27741520 (cited by 3 submitters); PubMed 32986223 (cited by All of Us Research Program, National Institutes of Health and Color Diagnostics, LLC DBA Color Health); PubMed 35264596 (cited by Ambry Genetics).

NM_000059.4(BRCA2):c.6554C>T (p.Ala2185Val)

Gene: BRCA2 (BRCA2 DNA repair associated; plus strand). Cytogenetic location: 13q13.1.
Variant type: single nucleotide variant.
Coding change: c.6554C>T on transcript NM_000059.4 (MANE Select); coding-DNA position 6554, C replaced by T.
Protein change: p.Ala2185Val; replaces alanine 2185 with valine.
Molecular consequence: missense variant.
Genome position (GRCh38, 1-based): chr13:32,340,909, C>T. VCF-style: chr13-32340909-C-T. GRCh37 (hg19) VCF-style: chr13-32915046-C-T.
Other names: short protein forms A2185V.
Identifiers: ClinVar variation 483126 (VCV000483126.32), dbSNP rs980859921, ClinGen allele CA247514034.